The following is an entry in ClinVar:

NM_015047.3(EMC1):c.1026+1G>A

Genes: EMC1 (ER membrane protein complex subunit 1; minus strand), EMC1-AS1 (EMC1 antisense RNA 1; plus strand). Cytogenetic location: 1p36.13.
Variant type: single nucleotide variant.
Coding change: c.1026+1G>A on transcript NM_015047.3 (MANE Select); the canonical splice donor site of the intron after coding-DNA position 1026, G replaced by A.
Molecular consequence: splice donor variant.
Genome position (GRCh38, 1-based): chr1:19,239,230, C>T on the plus strand (G>A on the coding strand, the complement: EMC1 is on the minus strand). VCF-style: chr1-19239230-C-T. GRCh37 (hg19) VCF-style: chr1-19565724-C-T.
Other names: c.960+1G>A (NM_001271429.2); c.1026+1G>A (NM_001271427.2, NM_001375821.1, NM_001271428.2 and 1 more transcripts).
Identifiers: ClinVar variation 1513263 (VCV001513263.8), dbSNP rs2093588528, ClinGen allele CA338767602.

ClinVar aggregate classification (germline): Likely pathogenic (1 of 4 stars; one submission).

Submission:

Labcorp Genetics (formerly Invitae), Labcorp
Classification: Likely pathogenic. Last evaluated: 2022-06-13. Review status: criteria provided, single submitter. Criteria: Invitae Variant Classification Sherloc (09022015). Collection method: clinical testing. Allele origin: germline.
Comment: Algorithms developed to predict the effect of sequence changes on RNA splicing suggest that this variant may disrupt the consensus splice site. This variant has not been reported in the literature in individuals affected with EMC1-related conditions. This variant is not present in population databases (gnomAD no frequency). This sequence change affects a donor splice site in intron 9 of the EMC1 gene. It is expected to disrupt RNA splicing. Variants that disrupt the donor or acceptor splice site typically lead to a loss of protein function (PMID: 16199547), and loss-of-function variants in EMC1 are known to be pathogenic (PMID: 26572623, 26942288, 29271071). In summary, the currently available evidence indicates that the variant is pathogenic, but additional data are needed to prove that conclusively. Therefore, this variant has been classified as Likely Pathogenic.

Literature cited by the submitters: PubMed 16199547; PubMed 26572623; PubMed 26942288; PubMed 29271071.